The following is an entry in ClinVar:

ClinVar aggregate classification (germline): Uncertain significance (1 of 4 stars; one submission).

Conditions:
Yoon-Bellen neurodevelopmental syndrome (YOBELN). Identifiers: MedGen C5562066, MONDO:0859221, OMIM 619701.

Submission:

Diagnostics Services (NGS), CSIR - Centre For Cellular And Molecular Biology
Classification: Uncertain significance for Yoon-Bellen neurodevelopmental syndrome. Last evaluated: 2024-08-08. Review status: criteria provided, single submitter. Criteria: ACMG Guidelines, 2015. Collection method: clinical testing. Allele origin: unknown. Affected: yes. Observed: 1 variant allele, 1 heterozygote.
Comment: The c.1552C>T variant is not present in publicly available population databases like 1000 Genomes, EVS, ExAC, gnomAD, Indian Exome Database or our in-house exome database. This variant has neither been published in the literature in individuals affected with OGDHL-related conditions nor reported to clinical databases like ClinVar, Human Gene Mutation Database (HGMD) or OMIM, in any affected individuals. In-silico pathogenicity prediction programs like SIFT, PolypHen-2, MutationTaster2, CADD, Varsome, Franklin, InterVar etc predicted this variant to be likely deleterious; however these were not confirmed by any published functional studies.

NM_018245.3(OGDHL):c.1552C>T (p.His518Tyr)

Gene: OGDHL (oxoglutarate dehydrogenase L; minus strand). Cytogenetic location: 10q11.23.
Variant type: single nucleotide variant.
Coding change: c.1552C>T on transcript NM_018245.3 (MANE Select); coding-DNA position 1552, C replaced by T.
Protein change: p.His518Tyr; replaces histidine 518 with tyrosine.
Molecular consequence: missense variant. On other transcripts: non-coding transcript variant (5).
Genome position (GRCh38, 1-based): chr10:49,745,421, G>A on the plus strand (C>T on the coding strand, the complement: OGDHL is on the minus strand). VCF-style: chr10-49745421-G-A. GRCh37 (hg19) VCF-style: chr10-50953467-G-A.
Other names: c.1381C>T, p.His461Tyr (NM_001143996.2, NM_001347820.1); c.925C>T, p.His309Tyr (NM_001143997.2, NM_001347821.2, NM_001347822.1); c.1552C>T, p.His518Tyr (NM_001347819.1); c.1372C>T, p.His458Tyr (NM_001347823.1, NM_001347824.2); c.745C>T, p.His249Tyr (NM_001347825.2); c.355C>T, p.His119Tyr (NM_001347826.1); short protein forms H119Y, H249Y, H309Y, H458Y, H461Y, H518Y.
Identifiers: ClinVar variation 3340506 (VCV003340506.1).
Genomic context (GRCh38, chr10:49,745,421, plus strand): 5'-TGACTGTGCCCTCGGCAATCAGCTTGTCTGCGTACTTCTTCAGCACAGGCACCTGTCTGT[G>A]GATCTGCTTGTACATGAGCGGCTGGGTGAACATGGGCTCGTCCATCTCATTGTGGCCACG-3'
Protein context (NP_060715.2, residues 508-528): FTQPLMYKQI[His518Tyr]RQVPVLKKYA